The following is an entry in ClinVar:

NM_006031.6(PCNT):c.9735A>C (p.Arg3245Ser)

Gene: PCNT (pericentrin; plus strand). Cytogenetic location: 21q22.3.
Variant type: single nucleotide variant.
Coding change: c.9735A>C on transcript NM_006031.6 (MANE Select); coding-DNA position 9735, A replaced by C.
Protein change: p.Arg3245Ser; replaces arginine 3245 with serine.
Molecular consequence: missense variant.
Genome position (GRCh38, 1-based): chr21:46,443,844, A>C. VCF-style: chr21-46443844-A-C. GRCh37 (hg19) VCF-style: chr21-47863757-A-C.
Other names: c.9144A>C, p.Arg3048Ser (NM_001315529.2); short protein forms R3245S, R3048S.
Identifiers: ClinVar variation 159697 (VCV000159697.20), dbSNP rs2073380, ClinGen allele CA173148.

ClinVar aggregate classification (germline): Benign. Review status: criteria provided, multiple submitters, no conflicts (2 of 4 stars). 8 submissions from 8 submitters: Benign (7). 1 of the submissions does not count toward it. Last evaluated 2026-02-04.

Conditions:
Microcephalic osteodysplastic primordial dwarfism type II (MOPD2). Also called: MOPD II; OSTEODYSPLASTIC PRIMORDIAL DWARFISM, TYPE II; Microcephalic osteodysplastic primordial dwarfism with tooth abnormalities. Identifiers: Orphanet 2637, MedGen C0432246, MONDO:0008872, OMIM 210720.

Allele frequency attached by ClinVar (database versions not stated): ExAC 0.22891; ESP Exome Variant Server 0.16954; TOPMed 0.17770; gnomAD 0.17969 and 0.18458; 1000 Genomes Project 30x 0.19941; 1000 Genomes Project 0.20627; gnomAD exomes 0.21870 and 0.22480.
gnomAD v4.1: 348,198 of 1,613,004 alleles (22%); highest among the groups gnomAD compares: East Asian, 44%; 40,037 homozygotes.

Submissions (8):

Labcorp Genetics (formerly Invitae), Labcorp
Classification: Benign. Last evaluated: 2026-02-04. Review status: criteria provided, single submitter. Criteria: Invitae Variant Classification Sherloc (09022015). Collection method: clinical testing. Allele origin: germline.

Blueprint Genetics
Classification: Benign. Last evaluated: 2024-11-28. Review status: criteria provided, single submitter. Criteria: ACMG Guidelines, 2015. Collection method: clinical testing. Allele origin: germline.

Illumina Laboratory Services, Illumina
Classification: Benign for Microcephalic osteodysplastic primordial dwarfism type II. Last evaluated: 2018-01-12. Review status: criteria provided, single submitter. Criteria: ICSL Variant Classification Criteria 13 December 2019. Collection method: clinical testing. Allele origin: germline.
Comment: This variant was observed in the ICSL laboratory as part of a predisposition screen in an ostensibly healthy population. It had not been previously curated by ICSL or reported in the Human Gene Mutation Database (HGMD: prior to June 1st, 2018), and was therefore a candidate for classification through an automated scoring system. Utilizing variant allele frequency, disease prevalence and penetrance estimates, and inheritance mode, an automated score was calculated to assess if this variant is too frequent to cause the disease. Based on the score and internal cut-off values, a variant classified as benign is not then subjected to further curation. The score for this variant resulted in a classification of benign for this disease.

Clinical Genetics DNA and cytogenetics Diagnostics Lab, Erasmus MC, Erasmus Medical Center
Classification: Benign for Microcephalic osteodysplastic primordial dwarfism type II. Last evaluated: 2017-05-31. Review status: criteria provided, single submitter. Criteria: ACGS Guidelines, 2013. Collection method: clinical testing. Allele origin: germline. Affected: yes. Study: VKGL Data-share Consensus.

GeneDx
Classification: Benign. Last evaluated: 2015-03-03. Review status: criteria provided, single submitter. Criteria: GeneDx Variant Classification Process June 2021. Collection method: clinical testing. Allele origin: germline. Affected: yes.

Genetic Services Laboratory, University of Chicago
Classification: Benign. Last evaluated: 2013-02-08. Review status: criteria provided, single submitter. Criteria: ACMG Guidelines, 2007. Collection method: clinical testing. Allele origin: germline. Inheritance: Autosomal recessive inheritance.

Breakthrough Genomics
Classification: Benign. Review status: criteria provided, single submitter. Criteria: ACMG Guidelines, 2015. Collection method: not provided. Allele origin: germline. Inheritance: Autosomal recessive inheritance. Affected: yes.

Diagnostic Laboratory, Department of Genetics, University Medical Center Groningen
Classification: Benign for Microcephalic osteodysplastic primordial dwarfism type II. Review status: no assertion criteria provided. Collection method: clinical testing. Allele origin: germline. Affected: yes. Study: VKGL Data-share Consensus. Not counted in ClinVar's aggregate classification.